The following is an entry in ClinVar:

NM_001039213.4(CEACAM16):c.178A>T (p.Ser60Cys)

Genes: CEACAM16 (CEA cell adhesion molecule 16, tectorial membrane component; plus strand), CEACAM16-AS1 (CEACAM16, CEACAM19 and PVR antisense RNA 1; minus strand). Cytogenetic location: 19q13.32.
Variant type: single nucleotide variant.
Coding change: c.178A>T on transcript NM_001039213.4 (MANE Select); coding-DNA position 178, A replaced by T.
Protein change: p.Ser60Cys; replaces serine 60 with cysteine.
Molecular consequence: missense variant.
Genome position (GRCh38, 1-based): chr19:44,703,489, A>T. VCF-style: chr19-44703489-A-T. GRCh37 (hg19) VCF-style: chr19-45206759-A-T.
Other names: short protein forms S60C.
Identifiers: ClinVar variation 3364848 (VCV003364848.1).

ClinVar aggregate classification (germline): Uncertain significance (1 of 4 stars; one submission).

Submission:

GeneDx
Classification: Uncertain significance. Last evaluated: 2023-11-30. Review status: criteria provided, single submitter. Criteria: GeneDx Variant Classification Process June 2021. Collection method: clinical testing. Allele origin: germline. Affected: yes.
Comment: Not observed at significant frequency in large population cohorts (gnomAD); In silico analysis supports that this missense variant has a deleterious effect on protein structure/function; Has not been previously published as pathogenic or benign to our knowledge